The following is an entry in ClinVar:

ClinVar aggregate classification (germline): Conflicting classifications of pathogenicity. Review status: criteria provided, conflicting classifications (1 of 4 stars). 3 submissions from 3 submitters: Uncertain significance (2); Likely benign (1). Last evaluated 2025-12-24.

Conditions:
POLD1-related polyposis and colorectal cancer syndrome (CRCS10). Also called: COLORECTAL CANCER, SUSCEPTIBILITY TO, ON CHROMOSOME 19q; Colorectal cancer 10; Colorectal cancer, susceptibility to, 10. Identifiers: Orphanet 220460, MedGen C2675481, MONDO:0012953, OMIM 612591.
Hereditary cancer-predisposing syndrome. Also called: Hereditary Cancer Syndrome; Neoplastic Syndromes, Hereditary; Hereditary neoplastic syndrome; Tumor predisposition. Identifiers: Orphanet 140162, MedGen C0027672, MeSH D009386, MONDO:0015356.

Allele frequency attached by ClinVar (database versions not stated): gnomAD 0.00001; TOPMed 0.00003; gnomAD exomes 0.00004; ExAC 0.00010.

Submissions (3):

Labcorp Genetics (formerly Invitae), Labcorp
Classification: Uncertain significance for POLD1-related polyposis and colorectal cancer syndrome. Last evaluated: 2025-12-24. Review status: criteria provided, single submitter. Criteria: Invitae Variant Classification Sherloc (09022015). Collection method: clinical testing. Allele origin: germline.
Comment: This sequence change replaces arginine, which is basic and polar, with glutamine, which is neutral and polar, at codon 1032 of the POLD1 protein (p.Arg1032Gln). This variant is present in population databases (rs763951036, gnomAD 0.02%). This variant has not been reported in the literature in individuals affected with POLD1-related conditions. ClinVar contains an entry for this variant (Variation ID: 239331). Invitae Evidence Modeling of protein sequence and biophysical properties (such as structural, functional, and spatial information, amino acid conservation, physicochemical variation, residue mobility, and thermodynamic stability) indicates that this missense variant is not expected to disrupt POLD1 protein function with a negative predictive value of 80%. In summary, the available evidence is currently insufficient to determine the role of this variant in disease. Therefore, it has been classified as a Variant of Uncertain Significance.

Ambry Genetics
Classification: Likely benign for Hereditary cancer-predisposing syndrome. Last evaluated: 2024-10-17. Review status: criteria provided, single submitter. Criteria: Ambry Variant Classification Scheme 2023. Collection method: clinical testing. Allele origin: germline.

GeneDx
Classification: Uncertain significance. Last evaluated: 2024-01-31. Review status: criteria provided, single submitter. Criteria: GeneDx Variant Classification Process June 2021. Collection method: clinical testing. Allele origin: germline. Affected: yes.
Comment: In silico analysis supports that this missense variant does not alter protein structure/function; Has not been previously published as pathogenic or benign to our knowledge

NM_002691.4(POLD1):c.3095G>A (p.Arg1032Gln)

Gene: POLD1 (DNA polymerase delta 1, catalytic subunit; plus strand). Cytogenetic location: 19q13.33.
Variant type: single nucleotide variant.
Coding change: c.3095G>A on transcript NM_002691.4 (MANE Select); coding-DNA position 3095, G replaced by A.
Protein change: p.Arg1032Gln; replaces arginine 1032 with glutamine.
Molecular consequence: missense variant. On other transcripts: non-coding transcript variant (1).
Genome position (GRCh38, 1-based): chr19:50,417,072, G>A. VCF-style: chr19-50417072-G-A. GRCh37 (hg19) VCF-style: chr19-50920329-G-A.
Other names: c.3095G>A, p.Arg1032Gln (NM_001256849.1); c.3173G>A, p.Arg1058Gln (NM_001308632.1); c.3095G>A (NM_002691.2); short protein forms R1032Q, R1058Q.
Identifiers: ClinVar variation 239331 (VCV000239331.13), dbSNP rs763951036, ClinGen allele CA9596747.
Genomic context (GRCh38, chr19:50,417,072, plus strand): 5'-CCCCAGCACTTGGGCTGACCCGCCTCCCCACAGGAGCCGTGTGTGAGTTCTGCCAGCCCC[G>A]GGAGTCTGAGCTGTATCAGAAGGAGGTGAGAGGGCCGGGAGGTGAGGAGGGGCCAGGTGG-3'
Protein context (NP_002682.2, residues 1022-1042): QGAVCEFCQP[Arg1032Gln]ESELYQKEVS